The following is an entry in ClinVar:

ClinVar aggregate classification (germline): Pathogenic/Likely pathogenic. Review status: criteria provided, multiple submitters, no conflicts (2 of 4 stars). 6 submissions from 5 submitters: Pathogenic (4); Likely pathogenic (2). Last evaluated 2024-01-04.

Conditions:
Infantile neuroaxonal dystrophy (NBIA2A). Also called: SEITELBERGER DISEASE; NEURODEGENERATION WITH BRAIN IRON ACCUMULATION 2A; Infantile neuroaxonal dystrophy 1. Identifiers: Orphanet 35069, MedGen C0270724, MONDO:0024457, OMIM 256600.
PLA2G6-associated neurodegeneration (PLAN). Also called: phospholipase A2-associated neurodegeneration. Identifiers: Orphanet 329303, MedGen CN204472, MONDO:0017998.

Allele frequency attached by ClinVar (database versions not stated): TOPMed 0.00001.
gnomAD v4.1: 6 of 1,598,178 alleles (0.00038%); highest among the groups gnomAD compares: African/African-American, 0.0013%; no homozygotes.

Submissions (6):

Labcorp Genetics (formerly Invitae), Labcorp
Classification: Pathogenic for Infantile neuroaxonal dystrophy. Last evaluated: 2024-01-04. Review status: criteria provided, single submitter. Criteria: Invitae Variant Classification Sherloc (09022015). Collection method: clinical testing. Allele origin: germline.
Comment: This sequence change affects a donor splice site in intron 8 of the PLA2G6 gene. RNA analysis indicates that disruption of this splice site induces altered splicing and may result in an absent or disrupted protein product. This variant is present in population databases (rs761815070, gnomAD 0.007%). Disruption of this splice site has been observed in individual(s) with clinical features of infantile neuroaxonal dystrophy (PMID: 20584031, 32404165; Invitae). In at least one individual the data is consistent with being in trans (on the opposite chromosome) from a pathogenic variant. ClinVar contains an entry for this variant (Variation ID: 635025). Studies have shown that disruption of this splice site results in alternative splicing and introduces a premature termination codon (PMID: 20584031). The resulting mRNA is expected to undergo nonsense-mediated decay. For these reasons, this variant has been classified as Pathogenic.

GeneDx
Classification: Pathogenic. Last evaluated: 2023-10-23. Review status: criteria provided, single submitter. Criteria: GeneDx Variant Classification Process June 2021. Collection method: clinical testing. Allele origin: germline. Affected: yes.
Comment: Canonical splice site variant predicted to result in a null allele in a gene for which loss-of-function is a known mechanism of disease; Not observed at significant frequency in large population cohorts (gnomAD); This variant is associated with the following publications: (PMID: 25525159, 20584031, 32404165)

Pittsburgh Clinical Genomics Laboratory, University of Pittsburgh Medical Center
Classification: Pathogenic for Infantile neuroaxonal dystrophy. Last evaluated: 2023-02-18. Review status: criteria provided, single submitter. Criteria: ACMG Guidelines, 2015. Collection method: clinical testing. Allele origin: germline. Inheritance: Autosomal recessive inheritance. Affected: yes.
Comment: This sequence variant is a single nucleotide substitution (G>A) at the +1 position downstream of exon 8 of 17 of the PLA2G6 gene. As this variant alters a canonical splice donor site, it is expected to generate a non-functiol allele through either the expression of a truncated protein or a loss of PLA2G6 expression due to nonsense-mediated decay. Functiol data shows that the variant leads to the utilization of a cryptic splice site which incorporates 34 bp of intron 9, leading to a frameshift (PMID: 20584031). This is a previously reported variant (ClinVar) which has been observed in homozygous or compound heterozygous state in individuals with neuroaxol dystrophy (PMID: 20584031). This variant is present in 1/251368 alleles (0.0004%) in the gnomAD population database. Given the current information, we consider this variant to be pathogenic. ACMG Criteria: PP3, PS3, PVS1

Broad Center for Mendelian Genomics, Broad Institute of MIT and Harvard
Classification: Pathogenic for PLA2G6-associated neurodegeneration. Last evaluated: 2023-01-24. Review status: criteria provided, single submitter. Criteria: ACMG Guidelines, 2015. Collection method: curation. Allele origin: germline. Inheritance: Autosomal recessive inheritance.
Comment: The c.1186+1G>A variant in PLA2G6 has been reported in 1 compound heteroyzgous individual with PLA2G6-associated neurodegeneration (PMID: 20584031) and has been identified in 0.006% (1/16250) of African/African American chromosomes by the Genome Aggregation Database (gnomAD; dbSNP ID: rs761815070). Although this variant has been seen in the general population in a heterozygous state, its frequency is low enough to be consistent with a recessive carrier frequency. This variant has also been reported in ClinVar (Variation ID#: 437465) and has been interpreted as pathogenic or likely pathogenic by CeGaT Praxis fuer Humangenetik Tuebingen, GeneDx, Invitae, and Broad Institute Rare Disease Group (Broad Institute). This variant is located in the 3' splice region. Computational tools predict a splicing impact, though this information is not predictive enough to determine pathogenicity. Loss of function of the PLA2G6 gene is an established disease mechanism in autosomal recessive PLA2G6-associated neurodegeneration. In summary, this variant meets criteria to be classified as pathogenic for autosomal recessive PLA2G6-associated neurodegeneration. ACMG/AMP Criteria applied: PVS1, PM2_supporting, PM3_supporting (Richards 2015).

CeGaT Center for Human Genetics Tuebingen
Classification: Likely pathogenic. Last evaluated: 2020-10-01. Review status: criteria provided, single submitter. Criteria: CeGaT Center For Human Genetics Tuebingen Variant Classification Criteria Version 2. Collection method: clinical testing. Allele origin: germline. Affected: yes. Observed: 1 variant allele.

Broad Center for Mendelian Genomics, Broad Institute of MIT and Harvard
Classification: Likely pathogenic for Infantile neuroaxonal dystrophy. Last evaluated: 2018-06-15. Review status: criteria provided, single submitter. Criteria: ACMG Guidelines, 2015. Collection method: research. Allele origin: germline. Inheritance: Autosomal recessive inheritance. Affected: yes.
Comment: This variant has been identified in the literature in one proband who was compound heterozygous for the c.1186+1G>A variant as well as the c.895-1G>A variant (Tonelli et al. 2010, PMID: 20584031). This variant has been identified in <0.01% (1/15304) of African chromosomes by the Genome Aggregation Database (gnomAD; dbSNP rs761815070). Although this variant has been seen in the general population, its frequency is low enough to be consistent with a recessive carrier frequency. The c.1186+1G>A variant occurs in the invariant region (+/- 1/2) of the splice consensus sequence and is predicted to cause altered splicing leading to an abnormal or absent protein. Loss of function of the PLA2G6 gene is an established disease mechanism in autosomal recessive Neurodegeneration with Brain Iron Accumulation, and this is a loss of function variant. In summary, although additional studies are required to fully establish its pathogenicity, this variant is likely pathogenic.

Literature cited by the submitters: PubMed 20584031 (cited by 3 submitters); PubMed 32404165 (cited by Labcorp Genetics (formerly Invitae), Labcorp).

NM_003560.4(PLA2G6):c.1186+1G>A

Gene: PLA2G6 (phospholipase A2 group VI; minus strand). Cytogenetic location: 22q13.1.
Variant type: single nucleotide variant.
Coding change: c.1186+1G>A on transcript NM_003560.4 (MANE Select); the canonical splice donor site of the intron after coding-DNA position 1186, G replaced by A.
Molecular consequence: splice donor variant.
Genome position (GRCh38, 1-based): chr22:38,129,453, C>T on the plus strand (G>A on the coding strand, the complement: PLA2G6 is on the minus strand). VCF-style: chr22-38129453-C-T. GRCh37 (hg19) VCF-style: chr22-38525460-C-T.
Other names: c.508+1G>A (NM_001349868.2); c.1186+1G>A (NM_001349866.2, NM_001199562.3, NM_001349865.2 and 2 more transcripts); c.652+1G>A (NM_001349869.2, NM_001349867.2).
Identifiers: ClinVar variation 635025 (VCV000635025.50), dbSNP rs761815070, ClinGen allele CA324194884.
Genomic context (GRCh38, chr22:38,129,453, plus strand): 5'-CTCGGTCCCTGTATCCACCCAACCCTCACCCCACTCCAGCCCCAGAGTGCAGAGCACATA[C>T]GTCTGCCGATTTTGGAGGCTAGGAATGTAGGAGTCTCCCCAAAGTCATTCGGGGTGTCCA-3'